The following is an entry in ClinVar:

NM_004360.5(CDH1):c.596C>A (p.Thr199Lys)

Gene: CDH1 (cadherin 1; plus strand). Cytogenetic location: 16q22.1.
Variant type: single nucleotide variant.
Coding change: c.596C>A on transcript NM_004360.5 (MANE Select); coding-DNA position 596, C replaced by A.
Protein change: p.Thr199Lys; replaces threonine 199 with lysine.
Molecular consequence: missense variant. On other transcripts: 5 prime UTR variant (2).
Genome position (GRCh38, 1-based): chr16:68,808,757, C>A. VCF-style: chr16-68808757-C-A. GRCh37 (hg19) VCF-style: chr16-68842660-C-A.
Other names: c.596C>A, p.Thr199Lys (NM_001317184.2); c.-1020C>A (NM_001317185.2); c.-1224C>A (NM_001317186.2); c.596C>A (LRG_301t1); short protein forms T199K.
Identifiers: ClinVar variation 485480 (VCV000485480.14), dbSNP rs750249747, ClinGen allele CA396457982.

ClinVar aggregate classification (germline): Conflicting classifications of pathogenicity. Review status: criteria provided, conflicting classifications (1 of 4 stars). 2 submissions from 2 submitters: Uncertain significance (1); Likely benign (1). Last evaluated 2025-08-11.

Conditions:
Hereditary cancer-predisposing syndrome. Also called: Hereditary neoplastic syndrome; Neoplastic Syndromes, Hereditary; Tumor predisposition; Hereditary Cancer Syndrome. Identifiers: Orphanet 140162, MedGen C0027672, MeSH D009386, MONDO:0015356.
Hereditary diffuse gastric adenocarcinoma (HDGC). Also called: DIFFUSE GASTRIC AND LOBULAR BREAST CANCER SYNDROME. Identifiers: Orphanet 26106, MedGen C1708349, MONDO:0007648, OMIM 137215.

Allele frequency attached by ClinVar (database versions not stated): TOPMed below 0.00001.

Submissions (2):

Labcorp Genetics (formerly Invitae), Labcorp
Classification: Uncertain significance for Hereditary diffuse gastric adenocarcinoma. Last evaluated: 2025-08-11. Review status: criteria provided, single submitter. Criteria: Invitae Variant Classification Sherloc (09022015). Collection method: clinical testing. Allele origin: germline.
Comment: This sequence change replaces threonine, which is neutral and polar, with lysine, which is basic and polar, at codon 199 of the CDH1 protein (p.Thr199Lys). This variant is not present in population databases (gnomAD no frequency). This variant has not been reported in the literature in individuals affected with CDH1-related conditions. ClinVar contains an entry for this variant (Variation ID: 485480). An algorithm developed to predict the effect of missense changes on protein structure and function outputs the following: PolyPhen-2: "Benign". The lysine amino acid residue is found in multiple mammalian species, which suggests that this missense change does not adversely affect protein function. In summary, the available evidence is currently insufficient to determine the role of this variant in disease. Therefore, it has been classified as a Variant of Uncertain Significance.

Ambry Genetics
Classification: Likely benign for Hereditary cancer-predisposing syndrome. Last evaluated: 2025-07-02. Review status: criteria provided, single submitter. Criteria: Ambry Variant Classification Scheme 2023. Collection method: clinical testing. Allele origin: germline.